The following is an entry in ClinVar:

NM_000256.3(MYBPC3):c.675C>A (p.His225Gln)

Gene: MYBPC3 (myosin binding protein C3; minus strand). Cytogenetic location: 11p11.2.
Variant type: single nucleotide variant.
Coding change: c.675C>A on transcript NM_000256.3 (MANE Select); coding-DNA position 675, C replaced by A.
Protein change: p.His225Gln; replaces histidine 225 with glutamine.
Molecular consequence: missense variant.
Genome position (GRCh38, 1-based): chr11:47,348,521, G>T on the plus strand (C>A on the coding strand, the complement: MYBPC3 is on the minus strand). VCF-style: chr11-47348521-G-T. GRCh37 (hg19) VCF-style: chr11-47370072-G-T.
Other names: short protein forms H225Q.
Identifiers: ClinVar variation 1919197 (VCV001919197.5), dbSNP rs2142866361, ClinGen allele CA380336319.

ClinVar aggregate classification (germline): Uncertain significance (1 of 4 stars; one submission).

Conditions:
Hypertrophic cardiomyopathy. Also called: HYPERTROPHIC MYOCARDIOPATHY. Identifiers: Orphanet 217569, MedGen C0007194, MeSH D002312, MONDO:0005045, HP:0001639.

Submission:

Labcorp Genetics (formerly Invitae), Labcorp
Classification: Uncertain significance for Hypertrophic cardiomyopathy. Last evaluated: 2022-05-18. Review status: criteria provided, single submitter. Criteria: Invitae Variant Classification Sherloc (09022015). Collection method: clinical testing. Allele origin: germline.
Comment: In summary, the available evidence is currently insufficient to determine the role of this variant in disease. Therefore, it has been classified as a Variant of Uncertain Significance. Algorithms developed to predict the effect of missense changes on protein structure and function (SIFT, PolyPhen-2, Align-GVGD) all suggest that this variant is likely to be tolerated. This variant has not been reported in the literature in individuals affected with MYBPC3-related conditions. This variant is not present in population databases (gnomAD no frequency). This sequence change replaces histidine, which is basic and polar, with glutamine, which is neutral and polar, at codon 225 of the MYBPC3 protein (p.His225Gln).